The following is an entry in ClinVar:

ClinVar aggregate classification (germline): Uncertain significance (1 of 4 stars; one submission).

Conditions:
Peroxisome biogenesis disorder 12A (Zellweger). Also called: Peroxisome biogenesis disorder 12A. Identifiers: Orphanet 912, MedGen C3554002, MONDO:0013951, OMIM 614886.

Allele frequency attached by ClinVar (database versions not stated): gnomAD exomes below 0.00001.
gnomAD v4.1: 3 of 1,612,218 alleles (0.00019%); highest among the groups gnomAD compares: Non-Finnish European, 0.00025%; no homozygotes.

Submission:

Labcorp Genetics (formerly Invitae), Labcorp
Classification: Uncertain significance for Peroxisome biogenesis disorder 12A (Zellweger). Last evaluated: 2022-05-16. Review status: criteria provided, single submitter. Criteria: Invitae Variant Classification Sherloc (09022015). Collection method: clinical testing. Allele origin: germline.
Comment: This sequence change replaces glutamic acid, which is acidic and polar, with alanine, which is neutral and non-polar, at codon 23 of the PEX19 protein (p.Glu23Ala). This variant is not present in population databases (gnomAD no frequency). This variant has not been reported in the literature in individuals affected with PEX19-related conditions. Algorithms developed to predict the effect of missense changes on protein structure and function are either unavailable or do not agree on the potential impact of this missense change (SIFT: "Deleterious"; PolyPhen-2: "Benign"; Align-GVGD: "Class C0"). In summary, the available evidence is currently insufficient to determine the role of this variant in disease. Therefore, it has been classified as a Variant of Uncertain Significance.

NM_002857.4(PEX19):c.68A>C (p.Glu23Ala)

Gene: PEX19 (peroxisomal biogenesis factor 19; minus strand). Cytogenetic location: 1q23.2.
Variant type: single nucleotide variant.
Coding change: c.68A>C on transcript NM_002857.4 (MANE Select); coding-DNA position 68, A replaced by C.
Protein change: p.Glu23Ala; replaces glutamic acid 23 with alanine.
Molecular consequence: missense variant. On other transcripts: non-coding transcript variant (2).
Genome position (GRCh38, 1-based): chr1:160,285,057, T>G on the plus strand (A>C on the coding strand, the complement: PEX19 is on the minus strand). VCF-style: chr1-160285057-T-G. GRCh37 (hg19) VCF-style: chr1-160254847-T-G.
Other names: c.68A>C, p.Glu23Ala (NM_001193644.1); short protein forms E23A.
Identifiers: ClinVar variation 2130770 (VCV002130770.4), dbSNP rs2525324935, ClinGen allele CA343265763.